The following is an entry in ClinVar:

NM_020831.6(MRTFA):c.2273T>C (p.Leu758Pro)

Gene: MRTFA (myocardin related transcription factor A; minus strand). Cytogenetic location: 22q13.1.
Variant type: single nucleotide variant.
Coding change: c.2273T>C on transcript NM_020831.6 (MANE Select); coding-DNA position 2273, T replaced by C.
Protein change: p.Leu758Pro; replaces leucine 758 with proline.
Molecular consequence: missense variant.
Genome position (GRCh38, 1-based): chr22:40,418,465, A>G on the plus strand (T>C on the coding strand, the complement: MRTFA is on the minus strand). VCF-style: chr22-40418465-A-G. GRCh37 (hg19) VCF-style: chr22-40814469-A-G.
Other names: c.1973T>C, p.Leu658Pro (NM_001282660.2); c.2123T>C, p.Leu708Pro (NM_001282661.3); c.2273T>C, p.Leu758Pro (NM_001282662.3); c.2078T>C, p.Leu693Pro (NM_001318139.2); short protein forms L693P, L708P, L658P, L758P.
Identifiers: ClinVar variation 2033770 (VCV002033770.4), dbSNP rs776091598, ClinGen allele CA10249389.

ClinVar aggregate classification (germline): Uncertain significance (1 of 4 stars; one submission).

Allele frequency attached by ClinVar (database versions not stated): gnomAD exomes below 0.00001; ExAC 0.00001.
gnomAD v4.1: 1 of 1,613,498 alleles (0.000062%); highest among the groups gnomAD compares: Non-Finnish European, 0.000085%; no homozygotes.

Submission:

Labcorp Genetics (formerly Invitae), Labcorp
Classification: Uncertain significance. Last evaluated: 2022-10-02. Review status: criteria provided, single submitter. Criteria: Invitae Variant Classification Sherloc (09022015). Collection method: clinical testing. Allele origin: germline.
Comment: This variant is present in population databases (rs776091598, gnomAD 0.0009%). This sequence change replaces leucine, which is neutral and non-polar, with proline, which is neutral and non-polar, at codon 658 of the MKL1 protein (p.Leu658Pro). This variant has not been reported in the literature in individuals affected with MKL1-related conditions. In summary, the available evidence is currently insufficient to determine the role of this variant in disease. Therefore, it has been classified as a Variant of Uncertain Significance. Algorithms developed to predict the effect of missense changes on protein structure and function (SIFT, PolyPhen-2, Align-GVGD) all suggest that this variant is likely to be disruptive.